The following is an entry in ClinVar:

NM_001101426.4(CRPPA):c.*2167G>A

Gene: CRPPA (CDP-L-ribitol pyrophosphorylase A; minus strand). Cytogenetic location: 7p21.2.
Variant type: single nucleotide variant.
Coding change: c.*2167G>A on transcript NM_001101426.4 (MANE Select); 2167 bases downstream of the stop codon, G replaced by A.
Molecular consequence: 3 prime UTR variant. On other transcripts: non-coding transcript variant (1).
Genome position (GRCh38, 1-based): chr7:16,089,528, C>T on the plus strand (G>A on the coding strand, the complement: CRPPA is on the minus strand). VCF-style: chr7-16089528-C-T. GRCh37 (hg19) VCF-style: chr7-16129153-C-T.
Other names: c.*2167G>A (NM_001101417.4, NM_001368197.1).
Identifiers: ClinVar variation 359545 (VCV000359545.5), dbSNP rs28379235, ClinGen allele CA4169298.

ClinVar aggregate classification (germline): Benign (1 of 4 stars; one submission).

Conditions:
Congenital Muscular Dystrophy, alpha-dystroglycan related.

Allele frequency attached by ClinVar (database versions not stated): 1000 Genomes Project 30x 0.51171; 1000 Genomes Project 0.51418; TOPMed 0.57780; ExAC 0.59375; gnomAD 0.60518 and 0.61129; gnomAD exomes 0.66080 and 0.69878.
gnomAD v4.1: 165,755 of 255,540 alleles (65%); highest among the groups gnomAD compares: Non-Finnish European, 79%; 61,157 homozygotes.

Submission:

Illumina Laboratory Services, Illumina
Classification: Benign for Congenital Muscular Dystrophy, alpha-dystroglycan related. Last evaluated: 2018-01-13. Review status: criteria provided, single submitter. Criteria: ICSL Variant Classification Criteria 13 December 2019. Collection method: clinical testing. Allele origin: germline.
Comment: This variant was observed in the ICSL laboratory as part of a predisposition screen in an ostensibly healthy population. It had not been previously curated by ICSL or reported in the Human Gene Mutation Database (HGMD: prior to June 1st, 2018), and was therefore a candidate for classification through an automated scoring system. Utilizing variant allele frequency, disease prevalence and penetrance estimates, and inheritance mode, an automated score was calculated to assess if this variant is too frequent to cause the disease. Based on the score and internal cut-off values, a variant classified as benign is not then subjected to further curation. The score for this variant resulted in a classification of benign for this disease.